The following is an entry in ClinVar:

NM_003664.5(AP3B1):c.2741T>C (p.Ile914Thr)

Gene: AP3B1 (adaptor related protein complex 3 subunit beta 1; minus strand). Cytogenetic location: 5q14.1.
Variant type: single nucleotide variant.
Coding change: c.2741T>C on transcript NM_003664.5 (MANE Select); coding-DNA position 2741, T replaced by C.
Protein change: p.Ile914Thr; replaces isoleucine 914 with threonine.
Molecular consequence: missense variant.
Genome position (GRCh38, 1-based): chr5:78,039,111, A>G on the plus strand (T>C on the coding strand, the complement: AP3B1 is on the minus strand). VCF-style: chr5-78039111-A-G. GRCh37 (hg19) VCF-style: chr5-77334935-A-G.
Other names: c.2594T>C, p.Ile865Thr (NM_001271769.2); short protein forms I865T, I914T.
Identifiers: ClinVar variation 1901407 (VCV001901407.2), dbSNP rs1302818044, ClinGen allele CA360331986.
Genomic context (GRCh38, chr5:78,039,111, plus strand): 5'-TTAAAAACATGCATTTTCATGCCTATAGGAAGTTTTTTTTCCCCTATGTGGATATTTTCT[A>G]TCTTTCGATCAGTAGTGTTATTCAGTGTTATTTGTATAGAGACCATCTTATCACCAAAAA-3'
Protein context (NP_003655.3, residues 904-924): ITLNNTTDRK[Ile914Thr]ENIHIGEKKL

ClinVar aggregate classification (germline): Uncertain significance (1 of 4 stars; one submission).

Conditions:
Hermansky-Pudlak syndrome 2 (HPS2). Also called: Platelet defects and oculocutaneous albinism. Identifiers: Orphanet 183678, Orphanet 79430, MedGen C1842362, MONDO:0011997, OMIM 608233.

Allele frequency attached by ClinVar (database versions not stated): gnomAD 0.00001; gnomAD exomes 0.00001.
gnomAD v4.1: 5 of 1,613,440 alleles (0.00031%); highest among the groups gnomAD compares: African/African-American, 0.0027%; no homozygotes.

Submission:

Labcorp Genetics (formerly Invitae), Labcorp
Classification: Uncertain significance for Hermansky-Pudlak syndrome 2. Last evaluated: 2022-03-09. Review status: criteria provided, single submitter. Criteria: Invitae Variant Classification Sherloc (09022015). Collection method: clinical testing. Allele origin: germline.
Comment: This sequence change replaces isoleucine, which is neutral and non-polar, with threonine, which is neutral and polar, at codon 914 of the AP3B1 protein (p.Ile914Thr). This variant is present in population databases (no rsID available, gnomAD 0.01%). This variant has not been reported in the literature in individuals affected with AP3B1-related conditions. Algorithms developed to predict the effect of missense changes on protein structure and function are either unavailable or do not agree on the potential impact of this missense change (SIFT: "Deleterious"; PolyPhen-2: "Benign"; Align-GVGD: "Class C0"). In summary, the available evidence is currently insufficient to determine the role of this variant in disease. Therefore, it has been classified as a Variant of Uncertain Significance.